The following is an entry in ClinVar:

ClinVar aggregate classification (germline): Uncertain significance (1 of 4 stars; one submission).

gnomAD v4.1: 8 of 1,588,084 alleles (0.0005%); highest among the groups gnomAD compares: Non-Finnish European, 0.00069%; no homozygotes.

Submission:

GeneDx
Classification: Uncertain significance. Last evaluated: 2024-05-24. Review status: criteria provided, single submitter. Criteria: GeneDx Variant Classification Process June 2021. Collection method: clinical testing. Allele origin: germline. Affected: yes.
Comment: Not observed at significant frequency in large population cohorts (gnomAD); In silico analysis supports that this missense variant has a deleterious effect on protein structure/function; Has not been previously published as pathogenic or benign to our knowledge

NM_032861.4(SERAC1):c.497A>G (p.Tyr166Cys)

Gene: SERAC1 (serine active site containing 1; minus strand). Cytogenetic location: 6q25.3.
Variant type: single nucleotide variant.
Coding change: c.497A>G on transcript NM_032861.4 (MANE Select); coding-DNA position 497, A replaced by G.
Protein change: p.Tyr166Cys; replaces tyrosine 166 with cysteine.
Molecular consequence: missense variant. On other transcripts: non-coding transcript variant (1).
Genome position (GRCh38, 1-based): chr6:158,144,411, T>C on the plus strand (A>G on the coding strand, the complement: SERAC1 is on the minus strand). VCF-style: chr6-158144411-T-C. GRCh37 (hg19) VCF-style: chr6-158565443-T-C.
Other names: short protein forms Y166C.
Identifiers: ClinVar variation 3381265 (VCV003381265.1).